The following is an entry in ClinVar:

NM_030632.3(ASXL3):c.332A>C (p.Asn111Thr)

Gene: ASXL3 (ASXL transcriptional regulator 3; plus strand). Cytogenetic location: 18q12.1.
Variant type: single nucleotide variant.
Coding change: c.332A>C on transcript NM_030632.3 (MANE Select); coding-DNA position 332, A replaced by C.
Protein change: p.Asn111Thr; replaces asparagine 111 with threonine.
Molecular consequence: missense variant.
Genome position (GRCh38, 1-based): chr18:33,646,330, A>C. VCF-style: chr18-33646330-A-C. GRCh37 (hg19) VCF-style: chr18-31226294-A-C.
Other names: short protein forms N111T.
Identifiers: ClinVar variation 1311310 (VCV001311310.2), dbSNP rs2145202045, ClinGen allele CA402162283.
Genomic context (GRCh38, chr18:33,646,330, plus strand): 5'-ATGGCACGTTGGATTTAGTCTGTGAATCTGAATTGGATGGTACAGATATGGCCGAGGCAA[A>C]TGCCCATGGAGAAGAAAATGGAGGTAAGTGTGATGAATTCCAAAATATAATCCCTTGTTC-3'
Protein context (NP_085135.1, residues 101-121): ELDGTDMAEA[Asn111Thr]AHGEENGVCS

ClinVar aggregate classification (germline): Uncertain significance (1 of 4 stars; one submission).

Submission:

GeneDx
Classification: Uncertain significance. Last evaluated: 2019-12-24. Review status: criteria provided, single submitter. Criteria: GeneDx Variant Classification Process June 2021. Collection method: clinical testing. Allele origin: germline. Affected: yes.
Comment: Not observed in large population cohorts (Lek et al., 2016); In silico analysis, which includes protein predictors and evolutionary conservation, supports that this variant does not alter protein structure/function; Has not been previously published as pathogenic or benign to our knowledge